The following is an entry in ClinVar:

ClinVar aggregate classification (germline): Uncertain significance (1 of 4 stars; one submission).

Allele frequency attached by ClinVar (database versions not stated): gnomAD exomes 0.00001; TOPMed 0.00001.
gnomAD v4.1: 8 of 1,614,172 alleles (0.0005%); highest among the groups gnomAD compares: Non-Finnish European, 0.00068%; no homozygotes.

Submission:

Ambry Genetics
Classification: Uncertain significance. Last evaluated: 2023-10-19. Review status: criteria provided, single submitter. Criteria: Ambry Variant Classification Scheme 2023. Collection method: clinical testing. Allele origin: germline.
Comment: The p.D328N variant (also known as c.982G>A), located in coding exon 3 of the TERF2IP gene, results from a G to A substitution at nucleotide position 982. The aspartic acid at codon 328 is replaced by asparagine, an amino acid with highly similar properties. This amino acid position is conserved. In addition, this alteration is predicted to be tolerated by in silico analysis. Since supporting evidence is limited at this time, the clinical significance of this alteration remains unclear.

NM_018975.4(TERF2IP):c.982G>A (p.Asp328Asn)

Gene: TERF2IP (TERF2 interacting protein; plus strand). Cytogenetic location: 16q23.1.
Variant type: single nucleotide variant.
Coding change: c.982G>A on transcript NM_018975.4 (MANE Select); coding-DNA position 982, G replaced by A.
Protein change: p.Asp328Asn; replaces aspartic acid 328 with asparagine.
Molecular consequence: missense variant. On other transcripts: non-coding transcript variant (1).
Genome position (GRCh38, 1-based): chr16:75,656,393, G>A. VCF-style: chr16-75656393-G-A. GRCh37 (hg19) VCF-style: chr16-75690291-G-A.
Other names: short protein forms D328N.
Identifiers: ClinVar variation 3227217 (VCV003227217.1), dbSNP rs1878420666, ClinGen allele CA396820012.